The following is an entry in ClinVar:

ClinVar aggregate classification (germline): Benign/Likely benign. Review status: criteria provided, multiple submitters, no conflicts (2 of 4 stars). 9 submissions from 7 submitters: Benign (8); Likely benign (1). Last evaluated 2026-02-04.

Conditions:
Schwartz-Jampel syndrome. Also called: Myotonic myopathy dwarfism chondrodystrophy and ocular and facial abnormalities. Identifiers: Orphanet 800, MedGen C0036391, MONDO:0009717.
Connective tissue disorder. Also called: Connective tissue disease. Identifiers: MedGen C0009782, MONDO:0003900.
Lethal Kniest-like syndrome (DDSH). Also called: Dyssegmental Dysplasia. Identifiers: Orphanet 1865, MedGen C1857100, MONDO:0009140, OMIM 224410.

Allele frequency attached by ClinVar (database versions not stated): 1000 Genomes Project 30x 0.03217; 1000 Genomes Project 0.03474; TOPMed 0.03712; gnomAD 0.03821 and 0.04017; ESP Exome Variant Server 0.04052; gnomAD exomes 0.04871 and 0.05814; ExAC 0.05357.
gnomAD v4.1: 90,814 of 1,612,996 alleles (5.6%); highest among the groups gnomAD compares: South Asian, 11%; 3,058 homozygotes.

Submissions (9):

Labcorp Genetics (formerly Invitae), Labcorp
Classification: Benign. Last evaluated: 2026-02-04. Review status: criteria provided, single submitter. Criteria: Invitae Variant Classification Sherloc (09022015). Collection method: clinical testing. Allele origin: germline.

Blueprint Genetics
Classification: Likely benign. Last evaluated: 2024-11-26. Review status: criteria provided, single submitter. Criteria: ACMG Guidelines, 2015. Collection method: clinical testing. Allele origin: germline.

Genome Diagnostics Laboratory, The Hospital for Sick Children
Classification: Benign for Connective tissue disorder. Last evaluated: 2022-06-03. Review status: criteria provided, single submitter. Criteria: ACMG Guidelines, 2015. Collection method: clinical testing. Allele origin: germline.

Genome-Nilou Lab
Classification: Benign for Lethal Kniest-like syndrome. Last evaluated: 2021-08-10. Review status: criteria provided, single submitter. Criteria: ACMG Guidelines, 2015. Collection method: clinical testing. Allele origin: germline. Affected: no.

Genome-Nilou Lab
Classification: Benign for Schwartz-Jampel syndrome type 1. Last evaluated: 2021-08-10. Review status: criteria provided, single submitter. Criteria: ACMG Guidelines, 2015. Collection method: clinical testing. Allele origin: germline. Affected: no.

GeneDx
Classification: Benign. Last evaluated: 2018-08-25. Review status: criteria provided, single submitter. Criteria: GeneDx Variant Classification Process June 2021. Collection method: clinical testing. Allele origin: germline. Affected: yes.

Illumina Laboratory Services, Illumina
Classification: Benign for Lethal Kniest-like syndrome. Last evaluated: 2018-01-13. Review status: criteria provided, single submitter. Criteria: ICSL Variant Classification Criteria 13 December 2019. Collection method: clinical testing. Allele origin: germline.
Comment: This variant was observed in the ICSL laboratory as part of a predisposition screen in an ostensibly healthy population. It had not been previously curated by ICSL or reported in the Human Gene Mutation Database (HGMD: prior to June 1st, 2018), and was therefore a candidate for classification through an automated scoring system. Utilizing variant allele frequency, disease prevalence and penetrance estimates, and inheritance mode, an automated score was calculated to assess if this variant is too frequent to cause the disease. Based on the score and internal cut-off values, a variant classified as benign is not then subjected to further curation. The score for this variant resulted in a classification of benign for this disease.

Illumina Laboratory Services, Illumina
Classification: Benign for Schwartz-Jampel syndrome type 1. Last evaluated: 2018-01-13. Review status: criteria provided, single submitter. Criteria: ICSL Variant Classification Criteria 13 December 2019. Collection method: clinical testing. Allele origin: germline.
Comment: the same text as in the submission from Illumina Laboratory Services, Illumina above.

Breakthrough Genomics
Classification: Benign. Review status: criteria provided, single submitter. Criteria: ACMG Guidelines, 2015. Collection method: not provided. Allele origin: germline. Inheritance: Autosomal recessive inheritance. Affected: yes.

NM_005529.7(HSPG2):c.5899G>A (p.Val1967Ile)

Gene: HSPG2 (heparan sulfate proteoglycan 2; minus strand). Cytogenetic location: 1p36.12.
Variant type: single nucleotide variant.
Coding change: c.5899G>A on transcript NM_005529.7 (MANE Select); coding-DNA position 5899, G replaced by A.
Protein change: p.Val1967Ile; replaces valine 1967 with isoleucine.
Molecular consequence: missense variant.
Genome position (GRCh38, 1-based): chr1:21,855,402, C>T on the plus strand (G>A on the coding strand, the complement: HSPG2 is on the minus strand). VCF-style: chr1-21855402-C-T. GRCh37 (hg19) VCF-style: chr1-22181895-C-T.
Other names: c.5902G>A, p.Val1968Ile (NM_001291860.2); c.5899G>A (NM_005529.6); short protein forms V1967I, V1968I.
Identifiers: ClinVar variation 295823 (VCV000295823.21), dbSNP rs2229475, ClinGen allele CA671754.